The following is an entry in ClinVar:

NM_206933.4(USH2A):c.11387C>T (p.Pro3796Leu)

Gene: USH2A (usherin; minus strand). Cytogenetic location: 1q41.
Variant type: single nucleotide variant.
Coding change: c.11387C>T on transcript NM_206933.4 (MANE Select); coding-DNA position 11387, C replaced by T.
Protein change: p.Pro3796Leu; replaces proline 3796 with leucine.
Molecular consequence: missense variant.
Genome position (GRCh38, 1-based): chr1:215,758,597, G>A on the plus strand (C>T on the coding strand, the complement: USH2A is on the minus strand). VCF-style: chr1-215758597-G-A. GRCh37 (hg19) VCF-style: chr1-215931939-G-A.
Other names: short protein forms P3796L.
Identifiers: ClinVar variation 1987368 (VCV001987368.8), dbSNP rs1173600555, ClinGen allele CA344820428.

ClinVar aggregate classification (germline): Conflicting classifications of pathogenicity. Review status: criteria provided, conflicting classifications (1 of 4 stars). 4 submissions from 4 submitters: Pathogenic (1); Likely pathogenic (1); Uncertain significance (2). Last evaluated 2026-01-28.

Conditions:
USH2A-related disorder. Also called: USH2A-related disorders; USH2A-related condition. Identifiers: MedGen CN239332.

Allele frequency attached by ClinVar (database versions not stated): gnomAD exomes below 0.00001.
gnomAD v4.1: 4 of 1,606,472 alleles (0.00025%); highest among the groups gnomAD compares: Admixed American, 0.0067%; no homozygotes.

Submissions (4):

Myriad Genetics, Inc.
Classification: Uncertain significance for USH2A-related disorder. Last evaluated: 2026-01-28. Review status: criteria provided, single submitter. Criteria: Myriad Autosomal Dominant, Autosomal Recessive and X-Linked Classification Criteria (2023). Collection method: clinical testing. Allele origin: unknown.
Comment: NM_206933.2(USH2A):c.11387C>T(P3796L) is a missense variant classified as a variant of uncertain significance in the context of USH2A-related disorders. P3796L has been observed in a case with relevant disease (PMID: 31736247). Relevant functional assessments of this variant are not available in the literature. P3796L has been observed in referenced population frequency databases. In summary, there is insufficient evidence to classify NM_206933.2(USH2A):c.11387C>T(P3796L) as pathogenic or benign. Please note: this variant was assessed in the context of healthy population screening.

Labcorp Genetics (formerly Invitae), Labcorp
Classification: Pathogenic. Last evaluated: 2025-09-15. Review status: criteria provided, single submitter. Criteria: Invitae Variant Classification Sherloc (09022015). Collection method: clinical testing. Allele origin: germline.
Comment: This sequence change replaces proline, which is neutral and non-polar, with leucine, which is neutral and non-polar, at codon 3796 of the USH2A protein (p.Pro3796Leu). This variant is present in population databases (no rsID available, gnomAD 0.01%). This missense change has been observed in individual(s) with USH2A-related conditions (PMID: 31736247, 37287646; internal data). ClinVar contains an entry for this variant (Variation ID: 1987368). An algorithm developed to predict the effect of missense changes on protein structure and function (PolyPhen-2) suggests that this variant is likely to be disruptive. Algorithms developed to predict the effect of sequence changes on RNA splicing suggest that this variant may disrupt the consensus splice site. For these reasons, this variant has been classified as Pathogenic.

Women's Health and Genetics/Laboratory Corporation of America, LabCorp
Classification: Uncertain significance. Last evaluated: 2025-04-30. Review status: criteria provided, single submitter. Criteria: LabCorp Variant Classification Summary - May 2015. Collection method: clinical testing. Allele origin: germline.
Comment: Variant summary: USH2A c.11387C>T (p.Pro3796Leu) results in a non-conservative amino acid change in the encoded protein sequence. Five of five in-silico tools predict a damaging effect of the variant on protein function. Consensus agreement among computation tools predict no significant impact on normal splicing. However, these predictions have yet to be confirmed by functional studies. The variant allele was found at a frequency of 1.6e-05 in 246772 control chromosomes. c.11387C>T has been observed in individuals affected with Usher Syndrome (e.g., Zenteno_2019, Internal data). These data indicate that the variant may be associated with disease. To our knowledge, no experimental evidence demonstrating an impact on protein function has been reported. The following publication has been ascertained in the context of this evaluation (PMID: 31736247). ClinVar contains an entry for this variant (Variation ID: 1987368). Based on the evidence outlined above, the variant was classified as VUS-possibly pathogenic.

Blueprint Genetics
Classification: Likely pathogenic for USH2A-related disorders. Last evaluated: 2021-10-19. Review status: criteria provided, single submitter. Criteria: ACMG Guidelines, 2015. Collection method: clinical testing. Allele origin: germline. Affected: yes. Observed: 2 variant alleles.

Literature cited by the submitters: PubMed 31736247 (cited by 3 submitters); PubMed 37287646 (cited by Labcorp Genetics (formerly Invitae), Labcorp).